The following is an entry in ClinVar:

ClinVar aggregate classification (germline): Pathogenic (1 of 4 stars; one submission).

Conditions:
Nemaline myopathy 2 (NEM2). Also called: Nemaline myopathy 2, autosomal recessive. Identifiers: MedGen C1850569, MONDO:0009725, OMIM 256030.

Submission:

Labcorp Genetics (formerly Invitae), Labcorp
Classification: Pathogenic for Nemaline myopathy 2. Last evaluated: 2023-06-23. Review status: criteria provided, single submitter. Criteria: Invitae Variant Classification Sherloc (09022015). Collection method: clinical testing. Allele origin: germline.
Comment: This sequence change creates a premature translational stop signal (p.Arg7126Aspfs*38) in the NEB gene. It is expected to result in an absent or disrupted protein product. Loss-of-function variants in NEB are known to be pathogenic (PMID: 25205138). This variant is not present in population databases (gnomAD no frequency). This variant has not been reported in the literature in individuals affected with NEB-related conditions. For these reasons, this variant has been classified as Pathogenic.

Literature cited by the submitters: PubMed 25205138.

NM_001164507.2(NEB):c.21375del (p.Arg7126fs)

Genes: NEB (nebulin; minus strand), RIF1 (replication timing regulatory factor 1; plus strand). Cytogenetic location: 2q23.3.
Variant type: Deletion.
Coding change: c.21375del on transcript NM_001164507.2 (MANE Plus Clinical); coding-DNA position 21375, one base deleted (T; older notation c.21375delT).
Protein change: p.Arg7126fs; shifts the reading frame from arginine 7126.
Molecular consequence: frameshift variant. On other transcripts: intron variant (1).
Genome position (GRCh38, 1-based): chr2:151,534,257, A deleted on the plus strand (T on the coding strand, the reverse complement: NEB is on the minus strand). VCF-style (leftmost placement, unchanged base first): chr2-151534256-TA-T. GRCh37 (hg19) VCF-style: chr2-152390770-TA-T.
Other names: c.21375del, p.Arg7126fs (NM_001271208.2); c.16272del, p.Arg5425fs (NM_004543.5); c.21313-711del (NM_001164508.2); short protein forms R7126fs, R5425fs.
Identifiers: ClinVar variation 2882577 (VCV002882577.3), dbSNP rs2552143019, ClinGen allele CA2739271308.
Genomic context (GRCh38, chr2:151,534,256, plus strand): 5'-GCCAGCCCCATCACAGTACCTGACTGATCTGGTCGCCTGCGGTCTTAGCCAGCAGATGTC[TA>T]GGCTCATCGACTACCAGGTGGTATTTATCTTTCCGCTGCTCATAATCAGCTCTGTATTTT-3'